The following is an entry in ClinVar:

ClinVar aggregate classification (germline): Uncertain significance (1 of 4 stars; one submission).

Conditions:
Alstrom syndrome (ALMS). Identifiers: Orphanet 64, MedGen C0268425, MONDO:0008763, OMIM 203800.

Submission:

Labcorp Genetics (formerly Invitae), Labcorp
Classification: Uncertain significance for Alstrom syndrome. Last evaluated: 2022-08-09. Review status: criteria provided, single submitter. Criteria: Invitae Variant Classification Sherloc (09022015). Collection method: clinical testing. Allele origin: germline.
Comment: This variant is not present in population databases (gnomAD no frequency). This sequence change replaces serine, which is neutral and polar, with glycine, which is neutral and non-polar, at codon 1940 of the ALMS1 protein (p.Ser1940Gly). This variant has not been reported in the literature in individuals affected with ALMS1-related conditions. In summary, the available evidence is currently insufficient to determine the role of this variant in disease. Therefore, it has been classified as a Variant of Uncertain Significance. Experimental studies and prediction algorithms are not available or were not evaluated, and the functional significance of this variant is currently unknown.

NM_001378454.1(ALMS1):c.5815A>G (p.Ser1939Gly)

Gene: ALMS1 (ALMS1 centrosome and basal body associated protein; plus strand). Cytogenetic location: 2p13.1.
Variant type: single nucleotide variant.
Coding change: c.5815A>G on transcript NM_001378454.1 (MANE Select); coding-DNA position 5815, A replaced by G.
Protein change: p.Ser1939Gly; replaces serine 1939 with glycine.
Molecular consequence: missense variant.
Genome position (GRCh38, 1-based): chr2:73,452,342, A>G. VCF-style: chr2-73452342-A-G. GRCh37 (hg19) VCF-style: chr2-73679469-A-G.
Other names: c.5818A>G, p.Ser1940Gly (NM_015120.4); short protein forms S1940G, S1939G.
Identifiers: ClinVar variation 2093796 (VCV002093796.4), dbSNP rs2466106532, ClinGen allele CA347283395.
Genomic context (GRCh38, chr2:73,452,342, plus strand): 5'-AATGTTTTTGTTGTTCCTGGACAAGGTGACCGGAAGACTGAGATACCAACAGTACCTTTA[A>G]GTTACTACTCACGTAGAGAGAAGCCCAGTGTTATCTCTCAACAGGAGTTGCCAGACAGTC-3'
Protein context (NP_001365383.1, residues 1929-1949): RKTEIPTVPL[Ser1939Gly]YYSRREKPSV